The following is an entry in ClinVar:

NM_021831.6(AGBL5):c.74T>C (p.Val25Ala)

Gene: AGBL5 (AGBL carboxypeptidase 5; plus strand). Cytogenetic location: 2p23.3.
Variant type: single nucleotide variant.
Coding change: c.74T>C on transcript NM_021831.6 (MANE Select); coding-DNA position 74, T replaced by C.
Protein change: p.Val25Ala; replaces valine 25 with alanine.
Molecular consequence: missense variant. On other transcripts: non-coding transcript variant (2).
Genome position (GRCh38, 1-based): chr2:27,053,032, T>C. VCF-style: chr2-27053032-T-C. GRCh37 (hg19) VCF-style: chr2-27275900-T-C.
Other names: c.74T>C, p.Val25Ala (NM_001035507.3); short protein forms V25A.
Identifiers: ClinVar variation 1409712 (VCV001409712.6), dbSNP rs2148267429, ClinGen allele CA346167190.
Genomic context (GRCh38, chr2:27,053,032, plus strand): 5'-GTGGGGGATTGCTGTTCAGTTCTCGCTTTGATTCAGGGAATCTAGCCCACGTGGAGAAGG[T>C]GGAATCTTTGTCCAGTGATGGGGAAGGGGTAGGAGGTGGGGCGTCAGCCCTGACCAGTGG-3'
Protein context (NP_068603.4, residues 15-35): DSGNLAHVEK[Val25Ala]ESLSSDGEGV

ClinVar aggregate classification (germline): Uncertain significance (1 of 4 stars; one submission).

Submission:

Labcorp Genetics (formerly Invitae), Labcorp
Classification: Uncertain significance. Last evaluated: 2022-10-28. Review status: criteria provided, single submitter. Criteria: Invitae Variant Classification Sherloc (09022015). Collection method: clinical testing. Allele origin: germline.
Comment: In summary, the available evidence is currently insufficient to determine the role of this variant in disease. Therefore, it has been classified as a Variant of Uncertain Significance. Algorithms developed to predict the effect of missense changes on protein structure and function are either unavailable or do not agree on the potential impact of this missense change (SIFT: "Deleterious"; PolyPhen-2: "Benign"; Align-GVGD: "Class C0"). ClinVar contains an entry for this variant (Variation ID: 1409712). This variant has not been reported in the literature in individuals affected with AGBL5-related conditions. This variant is not present in population databases (gnomAD no frequency). This sequence change replaces valine, which is neutral and non-polar, with alanine, which is neutral and non-polar, at codon 25 of the AGBL5 protein (p.Val25Ala).